The following is an entry in ClinVar:

NM_001376.5(DYNC1H1):c.13030C>T (p.Leu4344=)

Gene: DYNC1H1 (dynein cytoplasmic 1 heavy chain 1; plus strand). Cytogenetic location: 14q32.31.
Variant type: single nucleotide variant.
Coding change: c.13030C>T on transcript NM_001376.5 (MANE Select); coding-DNA position 13030, C replaced by T.
Protein change: p.Leu4344=; no amino-acid change (leucine 4344 retained).
Molecular consequence: synonymous variant.
Genome position (GRCh38, 1-based): chr14:102,047,840, C>T. VCF-style: chr14-102047840-C-T. GRCh37 (hg19) VCF-style: chr14-102514177-C-T.
Other names: c.13030C>T (NM_001376.4).
Identifiers: ClinVar variation 1650335 (VCV001650335.9), dbSNP rs2152600128, ClinGen allele CA487969191.

ClinVar aggregate classification (germline): Conflicting classifications of pathogenicity. Review status: criteria provided, conflicting classifications (1 of 4 stars). 2 submissions from 2 submitters: Uncertain significance (1); Likely benign (1). Last evaluated 2025-08-22.

Conditions:
DYNC1H1-related disorder. Also called: DYNC1H1-related condition; DYNC1H1-related disorders. Identifiers: MedGen CN381529.
Charcot-Marie-Tooth disease axonal type 2O. Also called: CHARCOT-MARIE-TOOTH NEUROPATHY, AXONAL, TYPE 2O; CHARCOT-MARIE-TOOTH DISEASE, AXONAL, AUTOSOMAL DOMINANT, TYPE 2O; Charcot-Marie-Tooth Neuropathy Type 2O; Charcot-Marie-Tooth disease, axonal, type 20. Identifiers: Orphanet 284232, MedGen C3280220, MONDO:0013644, OMIM 614228.

Submissions (2):

PreventionGenetics, part of Exact Sciences
Classification: Uncertain significance for DYNC1H1-related condition. Last evaluated: 2025-08-22. Review status: criteria provided, single submitter. Criteria: ACMG Guidelines, 2015. Collection method: clinical testing. Allele origin: germline.
Comment: The DYNC1H1 c.13030C>T variant is not predicted to result in an amino acid change (p.=). Of note, this variant may affect normal splicing based on available splicing prediction programs (SpliceAI, Jaganathan et al. 2019. PubMed ID: 30661751). To our knowledge, this variant has not been reported in the literature or in a large population database (gnomAD), indicating this variant is rare. At this time, the clinical significance of this variant is uncertain due to the absence of conclusive functional and genetic evidence.

Labcorp Genetics (formerly Invitae), Labcorp
Classification: Likely benign for Charcot-Marie-Tooth disease axonal type 2O. Last evaluated: 2024-12-04. Review status: criteria provided, single submitter. Criteria: Invitae Variant Classification Sherloc (09022015). Collection method: clinical testing. Allele origin: germline.